The following is an entry in ClinVar:

ClinVar aggregate classification (germline): Uncertain significance. Review status: criteria provided, multiple submitters, no conflicts (2 of 4 stars). 4 submissions from 4 submitters: Uncertain significance (4). Last evaluated 2024-10-12.

Conditions:
Inborn genetic diseases. Identifiers: MedGen C0950123, MeSH D030342.
Neuropathy, congenital hypomyelinating, 3. Identifiers: MedGen C4748608, MONDO:0020766, OMIM 618186.

Allele frequency attached by ClinVar (database versions not stated): ExAC 0.00002; gnomAD 0.00003; gnomAD exomes 0.00003; TOPMed 0.00003.
gnomAD v4.1: 46 of 1,614,072 alleles (0.0028%); highest among the groups gnomAD compares: Admixed American, 0.01%; no homozygotes.

Submissions (4):

GeneDx
Classification: Uncertain significance. Last evaluated: 2024-10-12. Review status: criteria provided, single submitter. Criteria: GeneDx Variant Classification Process June 2021. Collection method: clinical testing. Allele origin: germline.
Comment: Not observed at significant frequency in large population cohorts (gnomAD); In silico analysis indicates that this missense variant does not alter protein structure/function; Has not been previously published as pathogenic or benign to our knowledge

Genomic Medicine Center of Excellence, King Faisal Specialist Hospital and Research Centre
Classification: Uncertain significance for Neuropathy, congenital hypomyelinating, 3. Last evaluated: 2024-09-22. Review status: criteria provided, single submitter. Criteria: ACMG Guidelines, 2015. Collection method: clinical testing. Allele origin: germline.

Labcorp Genetics (formerly Invitae), Labcorp
Classification: Uncertain significance. Last evaluated: 2024-03-14. Review status: criteria provided, single submitter. Criteria: Invitae Variant Classification Sherloc (09022015). Collection method: clinical testing. Allele origin: germline.
Comment: This sequence change replaces arginine, which is basic and polar, with histidine, which is basic and polar, at codon 1073 of the CNTNAP1 protein (p.Arg1073His). This variant is present in population databases (rs773813371, gnomAD 0.01%). This variant has not been reported in the literature in individuals affected with CNTNAP1-related conditions. ClinVar contains an entry for this variant (Variation ID: 1810516). An algorithm developed to predict the effect of missense changes on protein structure and function (PolyPhen-2) suggests that this variant¬†is likely to be tolerated. In summary, the available evidence is currently insufficient to determine the role of this variant in disease. Therefore, it has been classified as a Variant of Uncertain Significance.

Ambry Genetics
Classification: Uncertain significance for Inborn genetic diseases. Last evaluated: 2021-06-18. Review status: criteria provided, single submitter. Criteria: Ambry Variant Classification Scheme 2023. Collection method: clinical testing. Allele origin: germline.

NM_003632.3(CNTNAP1):c.3218G>A (p.Arg1073His)

Gene: CNTNAP1 (contactin associated protein 1; plus strand). Cytogenetic location: 17q21.2.
Variant type: single nucleotide variant.
Coding change: c.3218G>A on transcript NM_003632.3 (MANE Select); coding-DNA position 3218, G replaced by A.
Protein change: p.Arg1073His; replaces arginine 1073 with histidine.
Molecular consequence: missense variant.
Genome position (GRCh38, 1-based): chr17:42,695,746, G>A. VCF-style: chr17-42695746-G-A. GRCh37 (hg19) VCF-style: chr17-40847764-G-A.
Other names: short protein forms R1073H.
Identifiers: ClinVar variation 1810516 (VCV001810516.8), dbSNP rs773813371, ClinGen allele CA8582263.